The following is an entry in ClinVar:

ClinVar aggregate classification (germline): Likely pathogenic (1 of 4 stars; one submission).

Allele frequency attached by ClinVar (database versions not stated): gnomAD exomes below 0.00001; TOPMed 0.00001.
gnomAD v4.1: 1 of 1,613,898 alleles (0.000062%); highest among the groups gnomAD compares: Non-Finnish European, 0.000085%; no homozygotes.

Submission:

Labcorp Genetics (formerly Invitae), Labcorp
Classification: Likely pathogenic. Last evaluated: 2025-08-25. Review status: criteria provided, single submitter. Criteria: Invitae Variant Classification Sherloc (09022015). Collection method: clinical testing. Allele origin: germline.
Comment: This sequence change affects a donor splice site in intron 23 of the NBAS gene. It is expected to disrupt RNA splicing. Variants that disrupt the donor or acceptor splice site typically lead to a loss of protein function (PMID: 16199547), and loss-of-function variants in NBAS are known to be pathogenic (PMID: 26073778, 26541327, 27789416, 28031453). This variant is not present in population databases (gnomAD no frequency). This variant has not been reported in the literature in individuals affected with NBAS-related conditions. ClinVar contains an entry for this variant (Variation ID: 2090952). Algorithms developed to predict the effect of sequence changes on RNA splicing suggest that this variant may disrupt the consensus splice site. In summary, the currently available evidence indicates that the variant is pathogenic, but additional data are needed to prove that conclusively. Therefore, this variant has been classified as Likely Pathogenic.

Literature cited by the submitters: PubMed 16199547; PubMed 26073778; PubMed 26541327; PubMed 27789416; PubMed 28031453.

NM_015909.4(NBAS):c.2577+2T>C

Gene: NBAS (NBAS subunit of NRZ tethering complex; minus strand). Cytogenetic location: 2p24.3.
Variant type: single nucleotide variant.
Coding change: c.2577+2T>C on transcript NM_015909.4 (MANE Select); the canonical splice donor site of the intron after coding-DNA position 2577, T replaced by C.
Molecular consequence: splice donor variant.
Genome position (GRCh38, 1-based): chr2:15,424,313, A>G on the plus strand (T>C on the coding strand, the complement: NBAS is on the minus strand). VCF-style: chr2-15424313-A-G. GRCh37 (hg19) VCF-style: chr2-15564437-A-G.
Identifiers: ClinVar variation 2090952 (VCV002090952.4), dbSNP rs1380932561, ClinGen allele CA345888880.
Genomic context (GRCh38, chr2:15,424,313, plus strand): 5'-ATCCTAAGGATCCAAGGCAGTTCCACTAACATTACTGAGCAGCAGCTGCCATTTCCCCTC[A>G]CCTGCCGAGCATAATGCTCTATTTCCTCTGCTCTGGTCTGATACCAGTCCATAACCTTCT-3'